The following is an entry in ClinVar:

ClinVar aggregate classification (germline): Likely benign (1 of 4 stars; one submission).

Submission:

CeGaT Center for Human Genetics Tuebingen
Classification: Likely benign. Last evaluated: 2023-02-01. Review status: criteria provided, single submitter. Criteria: CeGaT Center For Human Genetics Tuebingen Variant Classification Criteria Version 2. Collection method: clinical testing. Allele origin: germline. Affected: yes. Observed: 1 variant allele.
Comment: KRT74: BP4, BP7

NM_175053.4(KRT74):c.421C>A (p.Arg141=)

Gene: KRT74 (keratin 74; minus strand). Cytogenetic location: 12q13.13.
Variant type: single nucleotide variant.
Coding change: c.421C>A on transcript NM_175053.4 (MANE Select); coding-DNA position 421, C replaced by A.
Protein change: p.Arg141=; no amino-acid change (arginine 141 retained).
Molecular consequence: synonymous variant.
Genome position (GRCh38, 1-based): chr12:52,573,357, G>T on the plus strand (C>A on the coding strand, the complement: KRT74 is on the minus strand). VCF-style: chr12-52573357-G-T. GRCh37 (hg19) VCF-style: chr12-52967141-G-T.
Identifiers: ClinVar variation 2643030 (VCV002643030.24), dbSNP rs368217845, ClinGen allele CA6584112.